The following is an entry in ClinVar:

ClinVar aggregate classification (germline): Uncertain significance. Review status: criteria provided, multiple submitters, no conflicts (2 of 4 stars). 2 submissions from 2 submitters: Uncertain significance (2). Last evaluated 2025-11-28.

Conditions:
Charcot-Marie-Tooth disease type 2. Also called: Charcot-Marie-Tooth type 2. Identifiers: Orphanet 64746, MedGen C0270914, MONDO:0018993.

Submissions (2):

Ambry Genetics
Classification: Uncertain significance. Last evaluated: 2025-11-28. Review status: criteria provided, single submitter. Criteria: Ambry Variant Classification Scheme 2023. Collection method: clinical testing. Allele origin: germline.
Comment: The p.P607R variant (also known as c.1820C>G), located in coding exon 18 of the KIF1B gene, results from a C to G substitution at nucleotide position 1820. The proline at codon 607 is replaced by arginine, an amino acid with dissimilar properties. This amino acid position is conserved. In addition, this alteration is predicted to be deleterious by in silico analysis. Since supporting evidence is limited at this time, the clinical significance of this alteration remains unclear.

Labcorp Genetics (formerly Invitae), Labcorp
Classification: Uncertain significance for Charcot-Marie-Tooth disease type 2. Last evaluated: 2022-02-27. Review status: criteria provided, single submitter. Criteria: Invitae Variant Classification Sherloc (09022015). Collection method: clinical testing. Allele origin: germline.
Comment: In summary, the available evidence is currently insufficient to determine the role of this variant in disease. Therefore, it has been classified as a Variant of Uncertain Significance. Algorithms developed to predict the effect of missense changes on protein structure and function are either unavailable or do not agree on the potential impact of this missense change (SIFT: "Deleterious"; PolyPhen-2: "Probably Damaging"; Align-GVGD: "Class C0"). This variant has not been reported in the literature in individuals affected with KIF1B-related conditions. This variant is not present in population databases (gnomAD no frequency). This sequence change replaces proline, which is neutral and non-polar, with arginine, which is basic and polar, at codon 607 of the KIF1B protein (p.Pro607Arg).

NM_001365951.3(KIF1B):c.1958C>G (p.Pro653Arg)

Gene: KIF1B (kinesin family member 1B; plus strand). Cytogenetic location: 1p36.22.
Variant type: single nucleotide variant.
Coding change: c.1958C>G on transcript NM_001365951.3 (MANE Select); coding-DNA position 1958, C replaced by G.
Protein change: p.Pro653Arg; replaces proline 653 with arginine.
Molecular consequence: missense variant.
Genome position (GRCh38, 1-based): chr1:10,296,993, C>G. VCF-style: chr1-10296993-C-G. GRCh37 (hg19) VCF-style: chr1-10357051-C-G.
Other names: c.1958C>G, p.Pro653Arg (NM_001365952.1); c.1820C>G, p.Pro607Arg (NM_001365953.1, NM_015074.3, NM_183416.4); short protein forms P653R, P607R.
Identifiers: ClinVar variation 2163682 (VCV002163682.7), dbSNP rs1650299804, ClinGen allele CA338316954.
Genomic context (GRCh38, chr1:10,296,993, plus strand): 5'-GCTTTAACCACCCGGAACAAGCACGAGCTGAGCGAGAGAAGACTCCTTCTGCTGAGACCC[C>G]CTCTGAGCCTGTGGACTGGACATTTGCCCAGAGGGAGCTTCTGGAAAAACAAGGAATTGA-3'
Protein context (NP_001352880.1, residues 643-663): EREKTPSAET[Pro653Arg]SEPVDWTFAQ